The following is an entry in ClinVar:

ClinVar aggregate classification (germline): Uncertain significance (1 of 4 stars; one submission).

Allele frequency attached by ClinVar (database versions not stated): TOPMed below 0.00001.
gnomAD v4.1: 4 of 1,613,882 alleles (0.00025%); highest among the groups gnomAD compares: Non-Finnish European, 0.00034%; no homozygotes.

Submission:

Labcorp Genetics (formerly Invitae), Labcorp
Classification: Uncertain significance. Last evaluated: 2022-10-26. Review status: criteria provided, single submitter. Criteria: Invitae Variant Classification Sherloc (09022015). Collection method: clinical testing. Allele origin: germline.
Comment: This sequence change replaces serine, which is neutral and polar, with phenylalanine, which is neutral and non-polar, at codon 884 of the ITSN2 protein (p.Ser884Phe). This variant is not present in population databases (gnomAD no frequency). This variant has not been reported in the literature in individuals affected with ITSN2-related conditions. Algorithms developed to predict the effect of missense changes on protein structure and function are either unavailable or do not agree on the potential impact of this missense change (SIFT: "Deleterious"; PolyPhen-2: "Not Available"; Align-GVGD: "Class C0"). In summary, the available evidence is currently insufficient to determine the role of this variant in disease. Therefore, it has been classified as a Variant of Uncertain Significance.

NM_006277.3(ITSN2):c.2651C>T (p.Ser884Phe)

Gene: ITSN2 (intersectin 2; minus strand). Cytogenetic location: 2p23.3.
Variant type: single nucleotide variant.
Coding change: c.2651C>T on transcript NM_006277.3 (MANE Select); coding-DNA position 2651, C replaced by T.
Protein change: p.Ser884Phe; replaces serine 884 with phenylalanine.
Molecular consequence: missense variant.
Genome position (GRCh38, 1-based): chr2:24,261,137, G>A on the plus strand (C>T on the coding strand, the complement: ITSN2 is on the minus strand). VCF-style: chr2-24261137-G-A. GRCh37 (hg19) VCF-style: chr2-24484006-G-A.
Other names: c.2609C>T, p.Ser870Phe (NM_001348181.2); c.2531C>T, p.Ser844Phe (NM_001348182.2, NM_001348186.2); c.2570C>T, p.Ser857Phe (NM_001348183.2, NM_019595.4); c.2528C>T, p.Ser843Phe (NM_001348184.2); c.2612C>T, p.Ser871Phe (NM_001348185.2); c.2651C>T, p.Ser884Phe (NM_147152.3); short protein forms S871F, S884F, S844F, S870F, S843F, S857F.
Identifiers: ClinVar variation 2897579 (VCV002897579.3), dbSNP rs1294806839, ClinGen allele CA346024259.
Genomic context (GRCh38, chr2:24,261,137, plus strand): 5'-AAAGCCCACAAAAATAACAGACAACATACCTGTCCATGAATAGGTGATACAGATCCAGGG[G>A]ACACAGTTCGAGTGAAGGCTGATTTTTTCTGCCATGATGTATTTACAGTTAGGTTTGAAA-3'
Protein context (NP_006268.2, residues 874-894): QKKSAFTRTV[Ser884Phe]PGSVSPIHGQ